The following is an entry in ClinVar:

ClinVar aggregate classification (germline): Pathogenic. Review status: criteria provided, multiple submitters, no conflicts (2 of 4 stars). 2 submissions from 2 submitters: Pathogenic (2). Last evaluated 2025-06-03.

Conditions:
Neuronal ceroid lipofuscinosis. Also called: Neuronal Ceroid Lipofuscinoses. Identifiers: Orphanet 216, Orphanet 79263, MedGen C0027877, MONDO:0016295. Disease mechanism: loss of function.
Ceroid lipofuscinosis, neuronal, 6A. Also called: Neuronal ceroid lipofuscinosis, Gypsy/Indian early juvenile variant; Neuronal ceroid lipofuscinosis 6; CLN6-Related Neuronal Ceroid-Lipofuscinosis; Neuronal ceroid lipofuscinosis, late infantile, variant. Identifiers: Orphanet 168491, Orphanet 228363, MedGen C5551375, MONDO:0011144, OMIM 601780.

Submissions (2):

Natera, Inc.
Classification: Pathogenic for Ceroid lipofuscinosis, neuronal, 6A. Last evaluated: 2025-06-03. Review status: criteria provided, single submitter. Criteria: Natera Variant Classification Schema (03/2026). Collection method: clinical testing. Allele origin: germline.
Comment: The c.829_836delinsCCT variant in CLN6 is a frameshift variant predicted to shift the reading frame beginning at codon 277 and leads to a stop codon 5 codons downstream. This variant is expected to result in nonsense mediated decay, truncation, or a dysfunctional protein product. This variant is rare in the general population with a frequency below the threshold expected for the associated phenotype(s). This variant has been observed in one or more individuals affected with the associated recessive disease, as either homozygous or compound heterozygous with a second variant (PMID: 35505348, 38003592). Additionally, this variant has been observed to segregate in affected family members (PMID: 38003592). Given the available evidence, this variant is classified as Pathogenic.

Women's Health and Genetics/Laboratory Corporation of America, LabCorp
Classification: Pathogenic for Neuronal ceroid lipofuscinosis. Last evaluated: 2024-03-04. Review status: criteria provided, single submitter. Criteria: LabCorp Variant Classification Summary - May 2015. Collection method: clinical testing. Allele origin: germline.
Comment: Variant summary: CLN6 c.829_836delinsCCT (p.Val277ProfsX5) results in a premature termination codon, although it is not expected to result in NMD it is predicted to cause a truncation of the encoded protein which is a commonly known mechanism for disease. The variant was absent in 251388 control chromosomes. c.829_836delinsCCT has been reported in the literature in individuals affected with Neuronal Ceroid-Lipofuscinosis (Batten Disease) (Barbosa-Gouveia_2021, Rus_2022). Additionally, variants downstream have been classified on the pathogenic spectrum internally and in ClinVar. To our knowledge, no experimental evidence demonstrating an impact on protein function has been reported. The following publications have been ascertained in the context of this evaluation (PMID: 34440436, 35505348). No submitters have cited clinical-significance assessments for this variant to ClinVar. Based on the evidence outlined above, the variant was classified as pathogenic.

Literature cited by the submitters: PubMed 35505348 (cited by Natera, Inc. and Women's Health and Genetics/Laboratory Corporation of America, LabCorp); PubMed 38003592 (cited by Natera, Inc.); PubMed 34440436 (cited by Women's Health and Genetics/Laboratory Corporation of America, LabCorp).

NM_017882.3(CLN6):c.829_836delinsCCT (p.Val277fs)

Gene: CLN6 (CLN6 transmembrane ER protein; minus strand). Cytogenetic location: 15q23.
Variant type: Indel.
Coding change: c.829_836delinsCCT on transcript NM_017882.3 (MANE Select); coding-DNA positions 829 to 836, GTCGCCTG replaced by CCT.
Protein change: p.Val277fs; shifts the reading frame from valine 277.
Molecular consequence: frameshift variant.
Genome position (GRCh38, 1-based): chr15:68,208,240-68,208,247, CAGGCGAC replaced by AGG on the plus strand (GTCGCCTG replaced by CCT on the coding strand, the reverse complement: CLN6 is on the minus strand). VCF-style: chr15-68208240-CAGGCGAC-AGG. GRCh37 (hg19) VCF-style: chr15-68500578-CAGGCGAC-AGG.
Other names: c.925_932delinsCCT, p.Val309fs (NM_001411068.1); c.829_836delinsCCT (NM_017882.2); short protein forms V277fs, V309fs.
Identifiers: ClinVar variation 3233661 (VCV003233661.3), dbSNP rs2505401351, ClinGen allele CA2695220935.